The following is an entry in ClinVar:

NM_144670.6(A2ML1):c.2560C>T (p.His854Tyr)

Gene: A2ML1 (alpha-2-macroglobulin like 1; plus strand). Cytogenetic location: 12p13.31.
Variant type: single nucleotide variant.
Coding change: c.2560C>T on transcript NM_144670.6 (MANE Select); coding-DNA position 2560, C replaced by T.
Protein change: p.His854Tyr; replaces histidine 854 with tyrosine.
Molecular consequence: missense variant.
Genome position (GRCh38, 1-based): chr12:8,852,306, C>T. VCF-style: chr12-8852306-C-T. GRCh37 (hg19) VCF-style: chr12-9004902-C-T.
Other names: c.1087C>T, p.His363Tyr (NM_001282424.3); short protein forms H854Y, H363Y.
Identifiers: ClinVar variation 241895 (VCV000241895.19), dbSNP rs200763256, ClinGen allele CA6436043.

ClinVar aggregate classification (germline): Benign/Likely benign. Review status: criteria provided, multiple submitters, no conflicts (2 of 4 stars). 6 submissions from 6 submitters: Benign (2); Likely benign (3). 1 of the submissions does not count toward it. Last evaluated 2026-01-28.

Conditions:
A2ML1-related disorder. Also called: A2ML1-related condition.

Allele frequency attached by ClinVar (database versions not stated): gnomAD exomes 0.00011 and 0.00023; ExAC 0.00031; 1000 Genomes Project 30x 0.00078; 1000 Genomes Project 0.00080; ESP Exome Variant Server 0.00114; gnomAD 0.00115 and 0.00126; TOPMed 0.00136.
gnomAD v4.1: 355 of 1,614,132 alleles (0.022%); highest among the groups gnomAD compares: African/African-American, 0.41%; 1 homozygote.

Submissions (6):

Labcorp Genetics (formerly Invitae), Labcorp
Classification: Likely benign. Last evaluated: 2026-01-28. Review status: criteria provided, single submitter. Criteria: Invitae Variant Classification Sherloc (09022015). Collection method: clinical testing. Allele origin: germline.

Ambry Genetics
Classification: Likely benign. Last evaluated: 2025-08-03. Review status: criteria provided, single submitter. Criteria: Ambry Variant Classification Scheme 2023. Collection method: clinical testing. Allele origin: germline.

Women's Health and Genetics/Laboratory Corporation of America, LabCorp
Classification: Benign. Last evaluated: 2021-03-15. Review status: criteria provided, single submitter. Criteria: LabCorp Variant Classification Summary - May 2015. Collection method: clinical testing. Allele origin: germline.
Comment: Variant summary: A2ML1 c.2560C>T (p.His854Tyr) results in a conservative amino acid change in the encoded protein sequence. Five of five in-silico tools predict a benign effect of the variant on protein function. The variant allele was found at a frequency of 0.00023 in 249462 control chromosomes. The observed variant frequency is approximately 58 fold of the estimated maximal expected allele frequency for a pathogenic variant in A2ML1 causing Noonan Syndrome phenotype (4e-06), strongly suggesting that the variant is benign. To our knowledge, no occurrence of c.2560C>T in individuals affected with Noonan Syndrome and no experimental evidence demonstrating its impact on protein function have been reported. Two clinical diagnostic laboratories have submitted clinical-significance assessments for this variant to ClinVar after 2014 without evidence for independent evaluation. Both laboratories classified the variant as benign/likely benign. Based on the evidence outlined above, the variant was classified as benign.

GeneDx
Classification: Benign. Last evaluated: 2017-05-19. Review status: criteria provided, single submitter. Criteria: GeneDx Variant Classification (06012015). Collection method: clinical testing. Allele origin: germline. Affected: yes.
Comment: This variant is considered likely benign or benign based on one or more of the following criteria: it is a conservative change, it occurs at a poorly conserved position in the protein, it is predicted to be benign by multiple in silico algorithms, and/or has population frequency not consistent with disease.

Breakthrough Genomics
Classification: Likely benign. Review status: criteria provided, single submitter. Criteria: ACMG Guidelines, 2015. Collection method: not provided. Allele origin: germline. Inheritance: Autosomal dominant inheritance. Affected: yes.

PreventionGenetics, part of Exact Sciences
Classification: Likely benign for A2ML1-related condition. Last evaluated: 2019-12-10. Review status: no assertion criteria provided. Collection method: clinical testing. Allele origin: germline. Not counted in ClinVar's aggregate classification.
Comment: This variant is classified as likely benign based on ACMG/AMP sequence variant interpretation guidelines (Richards et al. 2015 PMID: 25741868, with internal and published modifications).